The following is an entry in ClinVar:

ClinVar aggregate classification (germline): Benign. Review status: criteria provided, multiple submitters, no conflicts (2 of 4 stars). 4 submissions from 4 submitters: Benign (3). 1 of the submissions does not count toward it. Last evaluated 2023-12-16.

Conditions:
LRRK1-related disorder. Also called: LRRK1-related condition.

Allele frequency attached by ClinVar (database versions not stated): ESP Exome Variant Server 0.23538; gnomAD 0.25341 and 0.25994; TOPMed 0.25355; 1000 Genomes Project 30x 0.26624; 1000 Genomes Project 0.27216; ExAC 0.30471; gnomAD exomes 0.30814 and 0.30897.
gnomAD v4.1: 488,915 of 1,612,632 alleles (30%); highest among the groups gnomAD compares: Middle Eastern, 37%; 76,059 homozygotes.

Submissions (4):

Labcorp Genetics (formerly Invitae), Labcorp
Classification: Benign. Last evaluated: 2023-12-16. Review status: criteria provided, single submitter. Criteria: Invitae Variant Classification Sherloc (09022015). Collection method: clinical testing. Allele origin: germline.

GeneDx
Classification: Benign. Last evaluated: 2018-06-23. Review status: criteria provided, single submitter. Criteria: GeneDx Variant Classification Process June 2021. Collection method: clinical testing. Allele origin: germline. Affected: yes.

Breakthrough Genomics
Classification: Benign. Review status: criteria provided, single submitter. Criteria: ACMG Guidelines, 2015. Collection method: not provided. Allele origin: germline. Inheritance: Autosomal recessive inheritance. Affected: yes.

PreventionGenetics, part of Exact Sciences
Classification: Benign for LRRK1-related condition. Last evaluated: 2019-10-18. Review status: no assertion criteria provided. Collection method: clinical testing. Allele origin: germline. Not counted in ClinVar's aggregate classification.
Comment: This variant is classified as benign based on ACMG/AMP sequence variant interpretation guidelines (Richards et al. 2015 PMID: 25741868, with internal and published modifications).

NM_024652.6(LRRK1):c.5813G>A (p.Gly1938Asp)

Genes: LRRK1 (leucine rich repeat kinase 1; plus strand), LRRK1-AS1 (LRRK1 antisense RNA 1; minus strand). Cytogenetic location: 15q26.3.
Variant type: single nucleotide variant.
Coding change: c.5813G>A on transcript NM_024652.6 (MANE Select); coding-DNA position 5813, G replaced by A.
Protein change: p.Gly1938Asp; replaces glycine 1938 with aspartic acid.
Molecular consequence: missense variant.
Genome position (GRCh38, 1-based): chr15:101,066,684, G>A. VCF-style: chr15-101066684-G-A. GRCh37 (hg19) VCF-style: chr15-101606889-G-A.
Other names: c.5813G>A (NM_024652.5); short protein forms G1938D.
Identifiers: ClinVar variation 1248289 (VCV001248289.8), dbSNP rs2924835, ClinGen allele CA7762257.